The following is an entry in ClinVar:

ClinVar aggregate classification (germline): Conflicting classifications of pathogenicity. Review status: criteria provided, conflicting classifications (1 of 4 stars). 2 submissions from 2 submitters: Uncertain significance (1); Likely benign (1). Last evaluated 2025-05-11.

Conditions:
Hereditary cancer-predisposing syndrome. Also called: Tumor predisposition; Neoplastic Syndromes, Hereditary; Hereditary Cancer Syndrome; Hereditary neoplastic syndrome. Identifiers: Orphanet 140162, MedGen C0027672, MeSH D009386, MONDO:0015356.

Submissions (2):

Ambry Genetics
Classification: Uncertain significance for Hereditary cancer-predisposing syndrome. Last evaluated: 2025-05-11. Review status: criteria provided, single submitter. Criteria: Ambry Variant Classification Scheme 2023. Collection method: clinical testing. Allele origin: germline.
Comment: The c.816-5C>T intronic variant results from a C to T substitution 5 nucleotides upstream from coding exon 6 in the NTHL1 gene. This nucleotide position is well conserved in available vertebrate species. In silico splice site analysis predicts that this alteration will not have any significant effect on splicing. Based on the available evidence, the clinical significance of this variant remains unclear.

Labcorp Genetics (formerly Invitae), Labcorp
Classification: Likely benign. Last evaluated: 2024-05-29. Review status: criteria provided, single submitter. Criteria: Invitae Variant Classification Sherloc (09022015). Collection method: clinical testing. Allele origin: germline.

NM_002528.7(NTHL1):c.792-5C>T

Gene: NTHL1 (nth like DNA glycosylase 1; minus strand). Cytogenetic location: 16p13.3.
Variant type: single nucleotide variant.
Coding change: c.792-5C>T on transcript NM_002528.7 (MANE Select); 5 bases into the intron before coding-DNA position 792, C replaced by T.
Molecular consequence: intron variant.
Genome position (GRCh38, 1-based): chr16:2,040,052, G>A on the plus strand (C>T on the coding strand, the complement: NTHL1 is on the minus strand). VCF-style: chr16-2040052-G-A. GRCh37 (hg19) VCF-style: chr16-2090053-G-A.
Other names: c.816-5C>T (NM_002528.5); c.462-5C>T (NM_001318194.2); c.621-5C>T (NM_001318193.2).
Identifiers: ClinVar variation 1645383 (VCV001645383.9), dbSNP rs2150937995, ClinGen allele CA2573151769.